The following is an entry in ClinVar:

NM_004415.4(DSP):c.2460G>T (p.Leu820Phe)

Gene: DSP (desmoplakin; plus strand). Cytogenetic location: 6p24.3.
Variant type: single nucleotide variant.
Coding change: c.2460G>T on transcript NM_004415.4 (MANE Select); coding-DNA position 2460, G replaced by T.
Protein change: p.Leu820Phe; replaces leucine 820 with phenylalanine.
Molecular consequence: missense variant.
Genome position (GRCh38, 1-based): chr6:7,575,318, G>T. VCF-style: chr6-7575318-G-T. GRCh37 (hg19) VCF-style: chr6-7575551-G-T.
Other names: c.2460G>T, p.Leu820Phe (NM_001008844.3, NM_001319034.2); short protein forms L820F.
Identifiers: ClinVar variation 4827474 (VCV004827474.1).
Genomic context (GRCh38, chr6:7,575,318, plus strand): 5'-GGATTAATTTGCAATCTTTTTTTTTTTCATCTTGCAGAAAATAAAAAATGACTTGAACTT[G>T]AAGAAGTCGTTGTTGGCCACTATGAAGACAGAACTACAGAAAGCCCAGCAGATCCACTCT-3'
Protein context (NP_004406.2, residues 810-830): GLKKIKNDLN[Leu820Phe]KKSLLATMKT

ClinVar aggregate classification (germline): Uncertain significance (1 of 4 stars; one submission).

Conditions:
Cardiovascular phenotype. Identifiers: MedGen CN230736.

Submission:

Ambry Genetics
Classification: Uncertain significance for Cardiovascular phenotype. Last evaluated: 2026-03-12. Review status: criteria provided, single submitter. Criteria: Ambry Variant Classification Scheme 2023. Collection method: clinical testing. Allele origin: germline.
Comment: The p.L820F variant (also known as c.2460G>T), located in coding exon 18 of the DSP gene, results from a G to T substitution at nucleotide position 2460. The leucine at codon 820 is replaced by phenylalanine, an amino acid with highly similar properties. This amino acid position is conserved. In addition, this alteration is predicted to be tolerated by in silico analysis. Based on the available evidence, the clinical significance of this variant remains unclear.